The following is an entry in ClinVar:

ClinVar aggregate classification (germline): Likely benign. Review status: criteria provided, single submitter (1 of 4 stars). 2 submissions from 2 submitters: Likely benign (1). 1 of the submissions does not count toward it. Last evaluated 2025-10-26.

Conditions:
IFT74-related disorder. Also called: IFT74-related condition; IFT74-Related Disorders.

Allele frequency attached by ClinVar (database versions not stated): ExAC 0.00001; gnomAD exomes 0.00001; TOPMed 0.00001; gnomAD 0.00003.
gnomAD v4.1: 18 of 1,613,374 alleles (0.0011%); highest among the groups gnomAD compares: Non-Finnish European, 0.0014%; no homozygotes.

Submissions (2):

Labcorp Genetics (formerly Invitae), Labcorp
Classification: Likely benign. Last evaluated: 2025-10-26. Review status: criteria provided, single submitter. Criteria: Invitae Variant Classification Sherloc (09022015). Collection method: clinical testing. Allele origin: germline.

PreventionGenetics, part of Exact Sciences
Classification: Likely benign for IFT74-related condition. Last evaluated: 2022-04-06. Review status: no assertion criteria provided. Collection method: clinical testing. Allele origin: germline. Not counted in ClinVar's aggregate classification.
Comment: This variant is classified as likely benign based on ACMG/AMP sequence variant interpretation guidelines (Richards et al. 2015 PMID: 25741868, with internal and published modifications).

NM_025103.4(IFT74):c.1158G>A (p.Lys386=)

Gene: IFT74 (intraflagellar transport 74; plus strand). Cytogenetic location: 9p21.2.
Variant type: single nucleotide variant.
Coding change: c.1158G>A on transcript NM_025103.4 (MANE Select); coding-DNA position 1158, G replaced by A.
Protein change: p.Lys386=; no amino-acid change (lysine 386 retained).
Molecular consequence: synonymous variant.
Genome position (GRCh38, 1-based): chr9:27,047,323, G>A. VCF-style: chr9-27047323-G-A. GRCh37 (hg19) VCF-style: chr9-27047321-G-A.
Other names: c.1158G>A, p.Lys386= (NM_001099222.3, NM_001099223.3, NM_001349928.2).
Identifiers: ClinVar variation 3056404 (VCV003056404.3), dbSNP rs754298998, ClinGen allele CA5015584.